The following is an entry in ClinVar:

NM_001348716.2(KDM6B):c.4459C>T (p.Pro1487Ser)

Genes: KDM6B (lysine demethylase 6B; plus strand), LOC121587574 (Sharpr-MPRA regulatory region 3930; plus strand). Cytogenetic location: 17p13.1.
Variant type: single nucleotide variant.
Coding change: c.4459C>T on transcript NM_001348716.2 (MANE Select); coding-DNA position 4459, C replaced by T.
Protein change: p.Pro1487Ser; replaces proline 1487 with serine.
Molecular consequence: missense variant.
Genome position (GRCh38, 1-based): chr17:7,852,327, C>T. VCF-style: chr17-7852327-C-T. GRCh37 (hg19) VCF-style: chr17-7755645-C-T.
Other names: c.4459C>T, p.Pro1487Ser (NM_001080424.2); short protein forms P1487S.
Identifiers: ClinVar variation 3373209 (VCV003373209.1).

ClinVar aggregate classification (germline): Uncertain significance (1 of 4 stars; one submission).

Submission:

GeneDx
Classification: Uncertain significance. Last evaluated: 2024-04-29. Review status: criteria provided, single submitter. Criteria: GeneDx Variant Classification Process June 2021. Collection method: clinical testing. Allele origin: germline. Affected: yes.
Comment: Not observed at significant frequency in large population cohorts (gnomAD); In silico analysis supports that this missense variant has a deleterious effect on protein structure/function; Has not been previously published as pathogenic or benign to our knowledge